The following is an entry in ClinVar:

ClinVar aggregate classification (germline): Pathogenic (1 of 4 stars; one submission).

Conditions:
Hereditary cancer-predisposing syndrome. Also called: Neoplastic Syndromes, Hereditary; Tumor predisposition; Hereditary Cancer Syndrome; Hereditary neoplastic syndrome. Identifiers: Orphanet 140162, MedGen C0027672, MeSH D009386, MONDO:0015356.

Submission:

Ambry Genetics
Classification: Pathogenic for Hereditary cancer-predisposing syndrome. Last evaluated: 2025-12-19. Review status: criteria provided, single submitter. Criteria: Ambry Variant Classification Scheme 2023. Collection method: clinical testing. Allele origin: germline.
Comment: The p.S713* pathogenic mutation (also known as c.2138C>A), located in coding exon 15 of the APC gene, results from a C to A substitution at nucleotide position 2138. This changes the amino acid from a serine to a stop codon within coding exon 15. This alteration occurs at the 3' terminus of the gene, is not expected to trigger nonsense-mediated mRNA decay, and impacts the last 75% of the protein. However, premature stop codons are typically deleterious in nature and a significant portion of the protein is affected (Ambry internal data). This variant was reported in individual(s) with features consistent with APC-related familial adenomatous polyposis (Ambry internal data). This variant is considered to be rare based on population cohorts in the Genome Aggregation Database (gnomAD). Based on the supporting evidence, this variant is interpreted as a disease-causing mutation.

NM_000038.6(APC):c.2138C>A (p.Ser713Ter)

Gene: APC (APC regulator of Wnt signaling pathway; plus strand). Cytogenetic location: 5q22.2.
Variant type: single nucleotide variant.
Coding change: c.2138C>A on transcript NM_000038.6 (MANE Select); coding-DNA position 2138, C replaced by A.
Protein change: p.Ser713Ter; replaces serine 713 with a stop codon.
Molecular consequence: nonsense. On other transcripts: non-coding transcript variant (2).
Genome position (GRCh38, 1-based): chr5:112,837,732, C>A. VCF-style: chr5-112837732-C-A. GRCh37 (hg19) VCF-style: chr5-112173429-C-A.
Other names: c.2138C>A, p.Ser713Ter (NM_001127510.3, NM_001354895.2, NM_001407450.1); c.2084C>A, p.Ser695Ter (NM_001127511.3); c.2192C>A, p.Ser731Ter (NM_001354896.2, NM_001407449.1, NM_001407447.1 and 1 more transcripts); c.2168C>A, p.Ser723Ter (NM_001354897.2); c.2063C>A, p.Ser688Ter (NM_001354898.2); c.2054C>A, p.Ser685Ter (NM_001354899.2); c.2015C>A, p.Ser672Ter (NM_001354900.2); c.1961C>A, p.Ser654Ter (NM_001354901.2, NM_001407453.1); and 11 more; short protein forms S612*, S630*, S672*, S685*, S723*, S430*, S587*, S622*.
Identifiers: ClinVar variation 4843517 (VCV004843517.1).
Genomic context (GRCh38, chr5:112,837,732, plus strand): 5'-AAGACCAGGAAGCATTATGGGACATGGGGGCAGTTAGCATGCTCAAGAACCTCATTCATT[C>A]AAAGCACAAAATGATTGCTATGGGAAGTGCTGCAGCTTTAAGGAATCTCATGGCAAATAG-3'